The following is an entry in ClinVar:

ClinVar aggregate classification (germline): Likely benign. Review status: criteria provided, multiple submitters, no conflicts (2 of 4 stars). 2 submissions from 2 submitters: Likely benign (2). Last evaluated 2025-07-22.

Conditions:
Dilated cardiomyopathy 1G (CMD1G). Identifiers: Orphanet 154, MedGen C1858763, MONDO:0011400, OMIM 604145.
Autosomal recessive limb-girdle muscular dystrophy type 2J (LGMDR10). Also called: Limb-girdle muscular dystrophy, type 2J; MUSCULAR DYSTROPHY, LIMB-GIRDLE, AUTOSOMAL RECESSIVE 10. Identifiers: Orphanet 140922, MedGen C1837342, MONDO:0012127, OMIM 608807.

Allele frequency attached by ClinVar (database versions not stated): gnomAD exomes below 0.00001; gnomAD 0.00001.
gnomAD v4.1: 2 of 1,612,906 alleles (0.00012%); highest among the groups gnomAD compares: African/African-American, 0.0013%; no homozygotes.

Submissions (2):

Labcorp Genetics (formerly Invitae), Labcorp
Classification: Likely benign for Dilated cardiomyopathy 1G; Autosomal recessive limb-girdle muscular dystrophy type 2J. Last evaluated: 2025-07-22. Review status: criteria provided, single submitter. Criteria: Invitae Variant Classification Sherloc (09022015). Collection method: clinical testing. Allele origin: germline.

GeneDx
Classification: Likely benign. Last evaluated: 2015-11-03. Review status: criteria provided, single submitter. Criteria: GeneDx Variant Classification (06012015). Collection method: clinical testing. Allele origin: germline. Affected: yes.
Comment: This variant is considered likely benign or benign based on one or more of the following criteria: it is a conservative change, it occurs at a poorly conserved position in the protein, it is predicted to be benign by multiple in silico algorithms, and/or has population frequency not consistent with disease.

NM_001267550.2(TTN):c.33573A>G (p.Pro11191=)

Gene: TTN (titin; minus strand). Cytogenetic location: 2q31.2.
Variant type: single nucleotide variant.
Coding change: c.33573A>G on transcript NM_001267550.2 (MANE Select); coding-DNA position 33573, A replaced by G.
Protein change: p.Pro11191=; no amino-acid change (proline 11191 retained).
Molecular consequence: synonymous variant. On other transcripts: intron variant (3).
Genome position (GRCh38, 1-based): chr2:178,679,901, T>C on the plus strand (A>G on the coding strand, the complement: TTN is on the minus strand). VCF-style: chr2-178679901-T-C. GRCh37 (hg19) VCF-style: chr2-179544628-T-C.
Other names: c.32622A>G, p.Pro10874= (NM_001256850.1); c.29841A>G, p.Pro9947= (NM_133378.4); c.13283-37584A>G (NM_003319.4); c.13859-37584A>G (NM_133437.4); c.13658-37584A>G (NM_133432.3).
Identifiers: ClinVar variation 381104 (VCV000381104.2), dbSNP rs1057520961, ClinGen allele CA16604029.